The following is an entry in ClinVar:

ClinVar aggregate classification (germline): Uncertain significance (1 of 4 stars; one submission).

Conditions:
Hyperphosphatasia with intellectual disability syndrome 5 (GPIBD11). Also called: GLYCOSYLPHOSPHATIDYLINOSITOL BIOSYNTHESIS DEFECT 11. Identifiers: Orphanet 247262, MedGen C4014958, MONDO:0014457, OMIM 616025.

Allele frequency attached by ClinVar (database versions not stated): gnomAD exomes below 0.00001.
gnomAD v4.1: 2 of 1,614,058 alleles (0.00012%); highest among the groups gnomAD compares: South Asian, 0.0011%; no homozygotes.

Submission:

Labcorp Genetics (formerly Invitae), Labcorp
Classification: Uncertain significance for Hyperphosphatasia with intellectual disability syndrome 5. Last evaluated: 2022-04-07. Review status: criteria provided, single submitter. Criteria: Invitae Variant Classification Sherloc (09022015). Collection method: clinical testing. Allele origin: germline.
Comment: This sequence change replaces threonine, which is neutral and polar, with alanine, which is neutral and non-polar, at codon 309 of the PIGW protein (p.Thr309Ala). This variant is not present in population databases (gnomAD no frequency). This variant has not been reported in the literature in individuals affected with PIGW-related conditions. Algorithms developed to predict the effect of missense changes on protein structure and function (SIFT, PolyPhen-2, Align-GVGD) all suggest that this variant is likely to be tolerated. In summary, the available evidence is currently insufficient to determine the role of this variant in disease. Therefore, it has been classified as a Variant of Uncertain Significance.

NM_001346754.2(PIGW):c.925A>G (p.Thr309Ala)

Genes: MYO19 (myosin XIX; minus strand), PIGW (phosphatidylinositol glycan anchor biosynthesis class W; plus strand). Cytogenetic location: 17q12.
Variant type: single nucleotide variant.
Coding change: c.925A>G on transcript NM_001346754.2 (MANE Select); coding-DNA position 925, A replaced by G.
Protein change: p.Thr309Ala; replaces threonine 309 with alanine.
Molecular consequence: missense variant.
Genome position (GRCh38, 1-based): chr17:36,538,026, A>G. VCF-style: chr17-36538026-A-G. GRCh37 (hg19) VCF-style: chr17-34893875-A-G.
Other names: c.925A>G, p.Thr309Ala (NM_001346755.2, NM_178517.5); short protein forms T309A.
Identifiers: ClinVar variation 1933946 (VCV001933946.2), dbSNP rs1005223658, ClinGen allele CA290116408.